The following is an entry in ClinVar:

ClinVar aggregate classification (germline): Likely benign. Review status: criteria provided, multiple submitters, no conflicts (2 of 4 stars). 3 submissions from 3 submitters: Likely benign (3). Last evaluated 2026-03-01.

Allele frequency attached by ClinVar (database versions not stated): ExAC 0.00004; ESP Exome Variant Server 0.00008; gnomAD 0.00010 and 0.00011; TOPMed 0.00010; gnomAD exomes 0.00011 and 0.00027.
gnomAD v4.1: 405 of 1,613,920 alleles (0.025%); highest among the groups gnomAD compares: Non-Finnish European, 0.033%; 1 homozygote.

Submissions (3):

CeGaT Center for Human Genetics Tuebingen
Classification: Likely benign. Last evaluated: 2026-03-01. Review status: criteria provided, single submitter. Criteria: CeGaT Center For Human Genetics Tuebingen Variant Classification Criteria Version 2. Collection method: clinical testing. Allele origin: germline. Affected: yes. Observed: 1 variant allele.
Comment: NLRP1: BP4, BP7

Labcorp Genetics (formerly Invitae), Labcorp
Classification: Likely benign. Last evaluated: 2025-07-21. Review status: criteria provided, single submitter. Criteria: Invitae Variant Classification Sherloc (09022015). Collection method: clinical testing. Allele origin: germline.

Women's Health and Genetics/Laboratory Corporation of America, LabCorp
Classification: Likely benign. Last evaluated: 2025-06-09. Review status: criteria provided, single submitter. Criteria: LabCorp Variant Classification Summary - May 2015. Collection method: clinical testing. Allele origin: germline.

NM_033004.4(NLRP1):c.342C>T (p.Thr114=)

Gene: NLRP1 (NLR family pyrin domain containing 1; minus strand). Cytogenetic location: 17p13.2.
Variant type: single nucleotide variant.
Coding change: c.342C>T on transcript NM_033004.4 (MANE Select); coding-DNA position 342, C replaced by T.
Protein change: p.Thr114=; no amino-acid change (threonine 114 retained).
Molecular consequence: synonymous variant.
Genome position (GRCh38, 1-based): chr17:5,582,776, G>A on the plus strand (C>T on the coding strand, the complement: NLRP1 is on the minus strand). VCF-style: chr17-5582776-G-A. GRCh37 (hg19) VCF-style: chr17-5486096-G-A.
Other names: c.342C>T, p.Thr114= (NM_001033053.3, NM_014922.5, NM_033006.4 and 1 more transcripts).
Identifiers: ClinVar variation 1666202 (VCV001666202.13), dbSNP rs200518345, ClinGen allele CA8327599.
Genomic context (GRCh38, chr17:5,582,776, plus strand): 5'-TCTCTCTGAGCCCTGGGTGCACCCCGCCGGCAATTCATGGATCCAGGGCATTAGCACTGC[G>A]GTGGAGGTGGGTTGGCTGGGAGACCCCAGGTGGGGTTCACTTGGGCTGTAGGGGAATGAG-3'
Protein context (NP_127497.1, residues 104-124): HLGSPSQPTS[Thr114=]AVLMPWIHEL